The following is an entry in ClinVar:

NM_000077.5(CDKN2A):c.89C>T (p.Ala30Val)

Gene: CDKN2A (cyclin dependent kinase inhibitor 2A; minus strand). Cytogenetic location: 9p21.3.
Variant type: single nucleotide variant.
Coding change: c.89C>T on transcript NM_000077.5; coding-DNA position 89, C replaced by T.
Protein change: p.Ala30Val; replaces alanine 30 with valine.
Molecular consequence: missense variant (on NM_000077.6). On other transcripts: intron variant (2).
Genome position (GRCh38, 1-based): chr9:21,974,739, G>A on the plus strand (C>T on the coding strand, the complement: CDKN2A is on the minus strand). VCF-style: chr9-21974739-G-A. GRCh37 (hg19) VCF-style: chr9-21974738-G-A.
Other names: c.89C>T, p.Ala30Val (NM_000077.6, NM_001195132.2, NM_058197.5); c.-3-3531C>T (NM_001363763.2); c.194-3531C>T (NM_058195.4); short protein forms A30V.
Identifiers: ClinVar variation 246070 (VCV000246070.19), dbSNP rs879254078, ClinGen allele CA10584302.

ClinVar aggregate classification (germline): Uncertain significance. Review status: criteria provided, multiple submitters, no conflicts (2 of 4 stars). 4 submissions from 4 submitters: Uncertain significance (4). Last evaluated 2025-07-21.

Conditions:
Familial melanoma. Also called: Hereditary melanoma; Hereditary cutaneous melanoma. Identifiers: Orphanet 618, MedGen C1512419, MONDO:0018961.
Hereditary cancer-predisposing syndrome. Also called: Hereditary Cancer Syndrome; Tumor predisposition; Hereditary neoplastic syndrome; Neoplastic Syndromes, Hereditary. Identifiers: Orphanet 140162, MedGen C0027672, MeSH D009386, MONDO:0015356.

Allele frequency attached by ClinVar (database versions not stated): gnomAD exomes below 0.00001; TOPMed 0.00001.
gnomAD v4.1: 3 of 1,611,922 alleles (0.00019%); highest among the groups gnomAD compares: South Asian, 0.0011%; no homozygotes.

Submissions (4):

GeneDx
Classification: Uncertain significance. Last evaluated: 2025-07-21. Review status: criteria provided, single submitter. Criteria: GeneDx Variant Classification Process June 2021. Collection method: clinical testing. Allele origin: germline. Affected: yes.
Comment: Not observed at significant frequency in large population cohorts (gnomAD); In silico analysis suggests that this missense variant does not alter protein structure/function; Observed in a patient with colorectal cancer (PMID: 28135145); This variant is associated with the following publications: (PMID: 9414654, 8573142, 9529249, 9653180, 16173922, 28135145)

Ambry Genetics
Classification: Uncertain significance for Hereditary cancer-predisposing syndrome. Last evaluated: 2023-08-08. Review status: criteria provided, single submitter. Criteria: Ambry Variant Classification Scheme 2023. Collection method: clinical testing. Allele origin: germline.
Comment: The p.A30V variant (also known as c.89C>T), located in coding exon 1 of the CDKN2A gene, results from a C to T substitution at nucleotide position 89. The alanine at codon 30 is replaced by valine, an amino acid with similar properties. This amino acid position is not well conserved in available vertebrate species. In addition, this alteration is predicted to be tolerated by in silico analysis. Since supporting evidence is limited at this time, the clinical significance of this alteration remains unclear.

Labcorp Genetics (formerly Invitae), Labcorp
Classification: Uncertain significance for Familial melanoma. Last evaluated: 2023-03-21. Review status: criteria provided, single submitter. Criteria: Invitae Variant Classification Sherloc (09022015). Collection method: clinical testing. Allele origin: germline.
Comment: This sequence change replaces alanine, which is neutral and non-polar, with valine, which is neutral and non-polar, at codon 30 of the CDKN2A (p16INK4a) protein (p.Ala30Val). This variant is not present in population databases (gnomAD no frequency). This missense change has been observed in individual(s) with colorectal cancer (PMID: 28135145). ClinVar contains an entry for this variant (Variation ID: 246070). An algorithm developed to predict the effect of missense changes on protein structure and function (PolyPhen-2) suggests that this variant is likely to be disruptive. In summary, the available evidence is currently insufficient to determine the role of this variant in disease. Therefore, it has been classified as a Variant of Uncertain Significance.

Color Diagnostics, LLC DBA Color Health
Classification: Uncertain significance for Hereditary cancer-predisposing syndrome. Last evaluated: 2019-09-05. Review status: criteria provided, single submitter. Criteria: ACMG Guidelines, 2015. Collection method: clinical testing. Allele origin: germline.
Comment: This missense variant replaces alanine with valine at codon 30 of the CDKN2A protein (P16INK4A). Computational prediction tools and conservation analyses are inconclusive regarding the impact of this variant on protein structure and function. Splice site prediction tools suggest that this variant may not impact RNA splicing. To our knowledge, functional studies have not been performed for this variant. This variant has not been reported in individuals affected with hereditary cancer in the literature. This variant has not been identified in the general population by the Genome Aggregation Database (gnomAD). The available evidence is insufficient to determine the role of this variant in disease conclusively. Therefore, this variant is classified as a Variant of Uncertain Significance.

Literature cited by the submitters: PubMed 28135145 (cited by Labcorp Genetics (formerly Invitae), Labcorp).